The following is an entry in ClinVar:

ClinVar aggregate classification (germline): Uncertain significance (1 of 4 stars; one submission).

Conditions:
Hypertrophic cardiomyopathy 26. Also called: Cardiomyopathy, familial hypertrophic, 26. Identifiers: Orphanet 75249, MedGen C4310749, MONDO:0014883, OMIM 617047.
Myofibrillar myopathy 5. Also called: Filaminopathy (type); FILAMINOPATHY, AUTOSOMAL DOMINANT. Identifiers: Orphanet 171445, MedGen C1836050, MONDO:0012289, OMIM 609524.
Distal myopathy with posterior leg and anterior hand involvement. Also called: WILLIAMS DISTAL MYOPATHY. Identifiers: Orphanet 63273, MedGen C3279722, MONDO:0013550, OMIM 614065.

Submission:

Labcorp Genetics (formerly Invitae), Labcorp
Classification: Uncertain significance for Distal myopathy with posterior leg and anterior hand involvement; Myofibrillar myopathy 5; Hypertrophic cardiomyopathy 26. Last evaluated: 2026-01-09. Review status: criteria provided, single submitter. Criteria: Invitae Variant Classification Sherloc (09022015). Collection method: clinical testing. Allele origin: germline.
Comment: This sequence change falls in intron 27 of the FLNC gene. It does not directly change the encoded amino acid sequence of the FLNC protein. It affects a nucleotide within the consensus splice site. This variant is not present in population databases (gnomAD no frequency). This variant has not been reported in the literature in individuals affected with FLNC-related conditions. Variants that disrupt the consensus splice site are a relatively common cause of aberrant splicing (PMID: 17576681, 9536098). Algorithms developed to predict the effect of sequence changes on RNA splicing suggest that this variant is not likely to affect RNA splicing. In summary, the available evidence is currently insufficient to determine the role of this variant in disease. Therefore, it has been classified as a Variant of Uncertain Significance.

Literature cited by the submitters: PubMed 17576681; PubMed 9536098.

NM_001458.5(FLNC):c.4737+6T>C

Gene: FLNC (filamin C; plus strand). Cytogenetic location: 7q32.1.
Variant type: single nucleotide variant.
Coding change: c.4737+6T>C on transcript NM_001458.5 (MANE Select); 6 bases into the intron after coding-DNA position 4737, T replaced by C.
Molecular consequence: intron variant.
Genome position (GRCh38, 1-based): chr7:128,848,723, T>C. VCF-style: chr7-128848723-T-C. GRCh37 (hg19) VCF-style: chr7-128488777-T-C.
Other names: c.4737+6T>C (NM_001127487.2).
Identifiers: ClinVar variation 4812580 (VCV004812580.1).